The following is an entry in ClinVar:

NM_001370466.1(NOD2):c.665A>G (p.Glu222Gly)

Gene: NOD2 (nucleotide binding oligomerization domain containing 2; plus strand). Cytogenetic location: 16q12.1.
Variant type: single nucleotide variant.
Coding change: c.665A>G on transcript NM_001370466.1 (MANE Select); coding-DNA position 665, A replaced by G.
Protein change: p.Glu222Gly; replaces glutamic acid 222 with glycine.
Molecular consequence: missense variant. On other transcripts: non-coding transcript variant (1).
Genome position (GRCh38, 1-based): chr16:50,710,657, A>G. VCF-style: chr16-50710657-A-G. GRCh37 (hg19) VCF-style: chr16-50744568-A-G.
Other names: c.665A>G, p.Glu222Gly (NM_001293557.2); c.746A>G, p.Glu249Gly (NM_022162.3); short protein forms E249G, E222G.
Identifiers: ClinVar variation 531608 (VCV000531608.21), dbSNP rs117836686, ClinGen allele CA8051389.

ClinVar aggregate classification (germline): Conflicting classifications of pathogenicity. Review status: criteria provided, conflicting classifications (1 of 4 stars). 4 submissions from 4 submitters: Uncertain significance (2); Likely benign (2). Last evaluated 2026-04-08.

Conditions:
Inflammatory bowel disease 1 (IBD1). Also called: Inflammatory bowel disease 1, Crohn disease; INFLAMMATORY BOWEL DISEASE (CROHN DISEASE) 1. Identifiers: MedGen CN260071, MONDO:0009960, OMIM 266600.
Blau syndrome (BLAUS). Also called: ARTHROCUTANEOUVEAL GRANULOMATOSIS; GRANULOMATOSIS, FAMILIAL JUVENILE SYSTEMIC; GRANULOMATOSIS, FAMILIAL, BLAU TYPE; GRANULOMATOUS INFLAMMATORY ARTHRITIS, DERMATITIS, AND UVEITIS, FAMILIAL; JABS SYNDROME. Identifiers: MONDO:0008523, OMIM 186580, Orphanet 90340, MedGen C5201146.
Yao syndrome. Also called: Susceptibility to Yao syndrome. Identifiers: MedGen C4310620, MONDO:0015019, OMIM 617321.
Regional enteritis. Also called: Enteritis, Granulomatous. Identifiers: MedGen C0678202, MeSH D003424.

Allele frequency attached by ClinVar (database versions not stated): 1000 Genomes Project 30x 0.00016; gnomAD exomes 0.00016; ExAC 0.00018; 1000 Genomes Project 0.00020; TOPMed 0.00022; ESP Exome Variant Server 0.00062.
gnomAD v4.1: 780 of 1,614,194 alleles (0.048%); highest among the groups gnomAD compares: Non-Finnish European, 0.065%; 1 homozygote.

Submissions (4):

Women's Health and Genetics/Laboratory Corporation of America, LabCorp
Classification: Likely benign. Last evaluated: 2026-04-08. Review status: criteria provided, single submitter. Criteria: LabCorp Variant Classification Summary - May 2015. Collection method: clinical testing. Allele origin: germline.
Comment: Variant summary: NOD2 c.746A>G (p.Glu249Gly) results in a non-conservative amino acid change in the encoded protein sequence. Algorithms developed to predict the effect of missense changes on protein structure and function all suggest that this variant is likely to be disruptive. The variant allele was found at a frequency of 0.00016 in 251372 control chromosomes. The observed variant frequency exceeds the estimated maximal expected allele frequency for disease-causing variants in NOD2, providing supporting evidence for a benign role. To our knowledge, no occurrence of c.746A>G in individuals affected with NOD2-related conditions and no experimental evidence demonstrating its impact on protein function have been reported. ClinVar contains an entry for this variant (Variation ID: 531608). Based on the evidence outlined above, the variant was classified as likely benign.

Labcorp Genetics (formerly Invitae), Labcorp
Classification: Likely benign for Regional enteritis; Blau syndrome. Last evaluated: 2025-11-25. Review status: criteria provided, single submitter. Criteria: Invitae Variant Classification Sherloc (09022015). Collection method: clinical testing. Allele origin: germline.

Department of Pathology and Laboratory Medicine, Sinai Health System
Classification: Uncertain significance for Blau syndrome; Inflammatory bowel disease 1; Yao syndrome. Last evaluated: 2022-01-21. Review status: criteria provided, single submitter. Criteria: ACMG Guidelines, 2015. Collection method: research. Allele origin: germline.

ARUP Laboratories, Molecular Genetics and Genomics, ARUP Laboratories
Classification: Uncertain significance. Last evaluated: 2020-03-13. Review status: criteria provided, single submitter. Criteria: ARUP Molecular Germline Variant Investigation Process. Collection method: clinical testing. Allele origin: germline.
Comment: The NOD2 c.746A>G; p.Glu249Gly variant (rs117836686), to our knowledge, is not reported in the medical literature or gene specific databases. The variant is reported in the ClinVar database (Variation ID: 531608) and is found in the European (non-Finnish) population with an allele frequency of 0.03% (39/129,102 alleles) in the Genome Aggregation Database. The glutamic acid at codon 249 is highly conserved, and computational analyses (SIFT, PolyPhen-2) predict that this variant is deleterious. Due to limited information, the clinical significance of the p.Gly249Gly variant is uncertain at this time.